The following is an entry in ClinVar:

ClinVar aggregate classification (germline): Benign. Review status: criteria provided, multiple submitters, no conflicts (2 of 4 stars). 2 submissions from 2 submitters: Benign (2). Last evaluated 2018-06-29.

Conditions:
Usher syndrome type 1C. Also called: USHER SYNDROME, TYPE I, ACADIAN VARIETY. Identifiers: Orphanet 231169, Orphanet 886, MedGen C1848604, MONDO:0010171, OMIM 276904.

Allele frequency attached by ClinVar (database versions not stated): 1000 Genomes Project 30x 0.01452; 1000 Genomes Project 0.01458; TOPMed 0.01775; ESP Exome Variant Server 0.01555; gnomAD 0.01608 and 0.01736.
gnomAD v4.1: 5,473 of 1,612,334 alleles (0.34%); highest among the groups gnomAD compares: African/African-American, 5.4%; 150 homozygotes.

Submissions (2):

GeneDx
Classification: Benign. Last evaluated: 2018-06-29. Review status: criteria provided, single submitter. Criteria: GeneDx Variant Classification Process June 2021. Collection method: clinical testing. Allele origin: germline. Affected: yes.

Illumina Laboratory Services, Illumina
Classification: Benign for Usher syndrome type 1C. Last evaluated: 2018-01-13. Review status: criteria provided, single submitter. Criteria: ICSL Variant Classification Criteria 13 December 2019. Collection method: clinical testing. Allele origin: germline.
Comment: This variant was observed in the ICSL laboratory as part of a predisposition screen in an ostensibly healthy population. It had not been previously curated by ICSL or reported in the Human Gene Mutation Database (HGMD: prior to June 1st, 2018), and was therefore a candidate for classification through an automated scoring system. Utilizing variant allele frequency, disease prevalence and penetrance estimates, and inheritance mode, an automated score was calculated to assess if this variant is too frequent to cause the disease. Based on the score and internal cut-off values, a variant classified as benign is not then subjected to further curation. The score for this variant resulted in a classification of benign for this disease.

NM_153676.4(USH1C):c.-60T>C

Gene: USH1C (USH1 protein network component harmonin; minus strand). Cytogenetic location: 11p15.1.
Variant type: single nucleotide variant.
Coding change: c.-60T>C on transcript NM_153676.4 (MANE Select); 60 bases upstream of the start codon, T replaced by C.
Molecular consequence: 5 prime UTR variant. On other transcripts: non-coding transcript variant (1).
Genome position (GRCh38, 1-based): chr11:17,544,367, A>G on the plus strand (T>C on the coding strand, the complement: USH1C is on the minus strand). VCF-style: chr11-17544367-A-G. GRCh37 (hg19) VCF-style: chr11-17565914-A-G.
Other names: c.-60T>C (NM_001297764.2, NM_005709.4).
Identifiers: ClinVar variation 303817 (VCV000303817.6), dbSNP rs371444878, ClinGen allele CA10638010.
Genomic context (GRCh38, chr11:17,544,367, plus strand): 5'-TGGCTGGGCCAGGTCCAGCTGCGTCGTTGCACGACCCGTTCCTTCGGGTGCCCGGCTGCC[A>G]GGAGCTGGAAAGAGCCGCGACCGCGACCGGGCCAGCCGCCCTCGGAGCTGGGGGCGGGGC-3'